The following is an entry in ClinVar:

ClinVar aggregate classification (germline): Uncertain significance (1 of 4 stars; one submission).

Allele frequency attached by ClinVar (database versions not stated): gnomAD exomes below 0.00001; gnomAD 0.00001; TOPMed 0.00002; ExAC 0.00003; 1000 Genomes Project 30x 0.00016; 1000 Genomes Project 0.00020.
gnomAD v4.1: 6 of 1,612,946 alleles (0.00037%); highest among the groups gnomAD compares: East Asian, 0.013%; no homozygotes.

Submission:

Labcorp Genetics (formerly Invitae), Labcorp
Classification: Uncertain significance. Last evaluated: 2025-12-17. Review status: criteria provided, single submitter. Criteria: Invitae Variant Classification Sherloc (09022015). Collection method: clinical testing. Allele origin: germline.
Comment: This sequence change replaces leucine, which is neutral and non-polar, with phenylalanine, which is neutral and non-polar, at codon 3982 of the HMCN1 protein (p.Leu3982Phe). This variant is present in population databases (rs559290963, gnomAD 0.06%). This variant has not been reported in the literature in individuals affected with HMCN1-related conditions. ClinVar contains an entry for this variant (Variation ID: 2186125). An algorithm developed to predict the effect of missense changes on protein structure and function (PolyPhen-2) suggests that this variant is likely to be disruptive. In summary, the available evidence is currently insufficient to determine the role of this variant in disease. Therefore, it has been classified as a Variant of Uncertain Significance.

NM_031935.3(HMCN1):c.11944C>T (p.Leu3982Phe)

Gene: HMCN1 (hemicentin 1; plus strand). Cytogenetic location: 1q31.1.
Variant type: single nucleotide variant.
Coding change: c.11944C>T on transcript NM_031935.3 (MANE Select); coding-DNA position 11944, C replaced by T.
Protein change: p.Leu3982Phe; replaces leucine 3982 with phenylalanine.
Molecular consequence: missense variant.
Genome position (GRCh38, 1-based): chr1:186,119,286, C>T. VCF-style: chr1-186119286-C-T. GRCh37 (hg19) VCF-style: chr1-186088418-C-T.
Other names: short protein forms L3982F.
Identifiers: ClinVar variation 2186125 (VCV002186125.4), dbSNP rs559290963, ClinGen allele CA1294203.